The following is an entry in ClinVar:

ClinVar aggregate classification (germline): Uncertain significance. Review status: criteria provided, multiple submitters, no conflicts (2 of 4 stars). 3 submissions from 3 submitters: Uncertain significance (3). Last evaluated 2023-12-11.

Conditions:
Inborn genetic diseases. Identifiers: MedGen C0950123, MeSH D030342.

Allele frequency attached by ClinVar (database versions not stated): gnomAD exomes 0.00002; ExAC 0.00003; gnomAD 0.00005; TOPMed 0.00005; ESP Exome Variant Server 0.00008.
gnomAD v4.1: 34 of 1,579,350 alleles (0.0022%); highest among the groups gnomAD compares: African/African-American, 0.0054%; no homozygotes.

Submissions (3):

Blueprint Genetics
Classification: Uncertain significance. Last evaluated: 2023-12-11. Review status: criteria provided, single submitter. Criteria: ACMG Guidelines, 2015. Collection method: clinical testing. Allele origin: germline.

Labcorp Genetics (formerly Invitae), Labcorp
Classification: Uncertain significance. Last evaluated: 2022-06-03. Review status: criteria provided, single submitter. Criteria: Invitae Variant Classification Sherloc (09022015). Collection method: clinical testing. Allele origin: germline.
Comment: In summary, the available evidence is currently insufficient to determine the role of this variant in disease. Therefore, it has been classified as a Variant of Uncertain Significance. Algorithms developed to predict the effect of sequence changes on RNA splicing suggest that this variant may disrupt the consensus splice site. Algorithms developed to predict the effect of missense changes on protein structure and function are either unavailable or do not agree on the potential impact of this missense change (SIFT: "Deleterious"; PolyPhen-2: "Benign"; Align-GVGD: "Class C0"). ClinVar contains an entry for this variant (Variation ID: 1512910). This sequence change replaces arginine, which is basic and polar, with tryptophan, which is neutral and slightly polar, at codon 534 of the TUBGCP6 protein (p.Arg534Trp). The frequency data for this variant in the population databases is considered unreliable, as metrics indicate poor data quality at this position in the gnomAD database. This variant has not been reported in the literature in individuals affected with TUBGCP6-related conditions.

Ambry Genetics
Classification: Uncertain significance for Inborn genetic diseases. Last evaluated: 2021-08-09. Review status: criteria provided, single submitter. Criteria: Ambry Variant Classification Scheme 2023. Collection method: clinical testing. Allele origin: germline.

NM_020461.4(TUBGCP6):c.1600C>T (p.Arg534Trp)

Gene: TUBGCP6 (tubulin gamma complex component 6; minus strand). Cytogenetic location: 22q13.33.
Variant type: single nucleotide variant.
Coding change: c.1600C>T on transcript NM_020461.4 (MANE Select); coding-DNA position 1600, C replaced by T.
Protein change: p.Arg534Trp; replaces arginine 534 with tryptophan.
Molecular consequence: missense variant.
Genome position (GRCh38, 1-based): chr22:50,226,734, G>A on the plus strand (C>T on the coding strand, the complement: TUBGCP6 is on the minus strand). VCF-style: chr22-50226734-G-A. GRCh37 (hg19) VCF-style: chr22-50665163-G-A.
Other names: c.1600C>T (NM_020461.3); short protein forms R534W.
Identifiers: ClinVar variation 1512910 (VCV001512910.8), dbSNP rs141823240, ClinGen allele CA10308614.
Genomic context (GRCh38, chr22:50,226,734, plus strand): 5'-CTCAAGTGTCTGCCTGGTGGGAGTGCGCGCCCGCCGCGCCTGCCCAGCCCACTGCCCACC[G>A]GGTGTAGGGCTCGCAGCTGGTCTTCAGCAGGGACAGCAGTACAGGGTAGTGCTCGTTGCT-3'
Protein context (NP_065194.3, residues 524-544): LLKTSCEPYT[Arg534Trp]FIHDWVYSGV